The following is an entry in ClinVar:

ClinVar aggregate classification (germline): Likely pathogenic. Review status: criteria provided, multiple submitters, no conflicts (2 of 4 stars). 2 submissions from 2 submitters: Likely pathogenic (2). Last evaluated 2023-09-13.

Conditions:
Familial cancer of breast. Also called: BREAST CANCER, FAMILIAL; Hereditary breast cancer; hereditary breast carcinoma. Identifiers: Orphanet 227535, MedGen C0346153, MONDO:0016419, OMIM 114480. Disease mechanism: loss of function.
Hereditary cancer-predisposing syndrome. Also called: Neoplastic Syndromes, Hereditary; Hereditary Cancer Syndrome; Tumor predisposition; Hereditary neoplastic syndrome. Identifiers: Orphanet 140162, MedGen C0027672, MeSH D009386, MONDO:0015356.

Submissions (2):

Myriad Genetics, Inc.
Classification: Likely pathogenic for Familial cancer of breast. Last evaluated: 2023-09-13. Review status: criteria provided, single submitter. Criteria: Myriad Autosomal Dominant, Autosomal Recessive and X-Linked Classification Criteria (2023). Collection method: clinical testing. Allele origin: unknown.
Comment: This variant is considered likely pathogenic. This variant occurs within a consensus splice junction and is predicted to result in abnormal mRNA splicing of either an out-of-frame exon or an in-frame exon necessary for protein stability and/or normal function.

Ambry Genetics
Classification: Likely pathogenic for Hereditary cancer-predisposing syndrome. Last evaluated: 2016-01-09. Review status: criteria provided, single submitter. Criteria: Ambry Variant Classification Scheme 2023. Collection method: clinical testing. Allele origin: germline.
Comment: The c.2748+2T>C intronic variant results from a T to C substitution two nucleotides after coding exon 7 in the PALB2 gene. This variant was not reported in population based cohorts in the following databases: Database of Single Nucleotide Polymorphisms (dbSNP), NHLBI Exome Sequencing Project (ESP), and 1000 Genomes Project. In the ESP, this variant was not observed in 6497 samples (12994 alleles) with coverage at this position. This nucleotide position is highly conserved in available vertebrate species. Using two different splice site prediction tools, this alteration is predicted by BDGP to abolish the native donor splice site, but is predicted to weaken (but not abolish) the efficacy of the native donor splice site by ESEfinder; however, direct evidence is unavailable. Alterations that disrupt the canonical splice donor site are typically deleterious in nature (ACMG Recommendations for Standards for Interpretation and Reporting of Sequence Variations. Revision 2007. Genet Med. 2008;10:294). As such, the c.2748+2T>C variant is classified as likely pathogenic.

NM_024675.4(PALB2):c.2748+2T>C

Gene: PALB2 (partner and localizer of BRCA2; minus strand). Cytogenetic location: 16p12.2.
Variant type: single nucleotide variant.
Coding change: c.2748+2T>C on transcript NM_024675.4 (MANE Select); the canonical splice donor site of the intron after coding-DNA position 2748, T replaced by C.
Molecular consequence: splice donor variant. On other transcripts: intron variant (3).
Genome position (GRCh38, 1-based): chr16:23,626,234, A>G on the plus strand (T>C on the coding strand, the complement: PALB2 is on the minus strand). VCF-style: chr16-23626234-A-G. GRCh37 (hg19) VCF-style: chr16-23637555-A-G.
Other names: c.1863+2T>C (NM_001407308.1, NM_001407306.1, NM_001407309.1 and 4 more transcripts); c.282+2T>C (NM_001407314.1); c.960+2T>C (NM_001407313.1, NM_001407312.1); c.2688+2T>C (NM_001407296.1); c.2676+2T>C (NM_001407297.1); c.2587-2140T>C (NM_001407302.1, NM_001407298.1); c.2748+2T>C (NM_001407300.1, NM_001407299.1, NM_001407301.1); c.1702-2140T>C (NM_001407307.1).
Identifiers: ClinVar variation 402300 (VCV000402300.6), dbSNP rs1060499821, ClinGen allele CA16609594.